The following is an entry in ClinVar:

ClinVar aggregate classification (germline): Uncertain significance (1 of 4 stars; one submission).

Conditions:
Pityriasis rubra pilaris (PRP). Also called: Pityriasis rubra pilaris--familial type. Identifiers: Orphanet 2897, MedGen C0032027, MONDO:0100017, OMIM 173200, MONDO:0008251.
Psoriasis 2. Identifiers: MedGen C1864497, MONDO:0011269, OMIM 602723.

Allele frequency attached by ClinVar (database versions not stated): gnomAD exomes below 0.00001; TOPMed below 0.00001; gnomAD 0.00001; ExAC 0.00009; 1000 Genomes Project 30x 0.00016; 1000 Genomes Project 0.00020.
gnomAD v4.1: 6 of 1,589,290 alleles (0.00038%); highest among the groups gnomAD compares: Admixed American, 0.0087%; no homozygotes.

Submission:

Labcorp Genetics (formerly Invitae), Labcorp
Classification: Uncertain significance for Pityriasis rubra pilaris; Psoriasis 2. Last evaluated: 2025-06-23. Review status: criteria provided, single submitter. Criteria: Invitae Variant Classification Sherloc (09022015). Collection method: clinical testing. Allele origin: germline.
Comment: This sequence change replaces leucine, which is neutral and non-polar, with proline, which is neutral and non-polar, at codon 19 of the CARD14 protein (p.Leu19Pro). The frequency data for this variant in the population databases is considered unreliable, as metrics indicate poor data quality at this position in the gnomAD database. This variant has not been reported in the literature in individuals affected with CARD14-related conditions. ClinVar contains an entry for this variant (Variation ID: 2932921). Invitae Evidence Modeling of protein sequence and biophysical properties (such as structural, functional, and spatial information, amino acid conservation, physicochemical variation, residue mobility, and thermodynamic stability) has been performed for this missense variant. However, the output from this modeling did not meet the statistical confidence thresholds required to predict the impact of this variant on CARD14 protein function. In summary, the available evidence is currently insufficient to determine the role of this variant in disease. Therefore, it has been classified as a Variant of Uncertain Significance.

NM_001366385.1(CARD14):c.56T>C (p.Leu19Pro)

Gene: CARD14 (caspase recruitment domain family member 14; plus strand). Cytogenetic location: 17q25.3.
Variant type: single nucleotide variant.
Coding change: c.56T>C on transcript NM_001366385.1 (MANE Select); coding-DNA position 56, T replaced by C.
Protein change: p.Leu19Pro; replaces leucine 19 with proline.
Molecular consequence: missense variant. On other transcripts: non-coding transcript variant (1).
Genome position (GRCh38, 1-based): chr17:80,181,494, T>C. VCF-style: chr17-80181494-T-C. GRCh37 (hg19) VCF-style: chr17-78155293-T-C.
Other names: c.56T>C, p.Leu19Pro (NM_001257970.1, NM_024110.4); short protein forms L19P.
Identifiers: ClinVar variation 2932921 (VCV002932921.3), dbSNP rs537669777, ClinGen allele CA8816329.